The following is an entry in ClinVar:

ClinVar aggregate classification (germline): Uncertain significance (1 of 4 stars; one submission).

Conditions:
Primary ciliary dyskinesia. Also called: Ciliary dyskinesia. Identifiers: Orphanet 244, MedGen C0008780, MONDO:0016575, HP:0012265.

Allele frequency attached by ClinVar (database versions not stated): gnomAD 0.00001; gnomAD exomes 0.00001 and 0.00002; TOPMed 0.00002; ExAC 0.00003.
gnomAD v4.1: 10 of 1,608,554 alleles (0.00062%); highest among the groups gnomAD compares: African/African-American, 0.0013%; no homozygotes.

Submission:

Labcorp Genetics (formerly Invitae), Labcorp
Classification: Uncertain significance for Primary ciliary dyskinesia. Last evaluated: 2021-08-28. Review status: criteria provided, single submitter. Criteria: Invitae Variant Classification Sherloc (09022015). Collection method: clinical testing. Allele origin: germline.
Comment: This sequence change replaces glutamic acid with lysine at codon 3321 of the DNAH8 protein (p.Glu3321Lys). The glutamic acid residue is highly conserved and there is a small physicochemical difference between glutamic acid and lysine. This variant is present in population databases (rs200884766, ExAC 0.006%). This variant has not been reported in the literature in individuals affected with DNAH8-related conditions. Algorithms developed to predict the effect of missense changes on protein structure and function are either unavailable or do not agree on the potential impact of this missense change (SIFT: "Deleterious"; PolyPhen-2: "Not Available"; Align-GVGD: "Class C0"). In summary, the available evidence is currently insufficient to determine the role of this variant in disease. Therefore, it has been classified as a Variant of Uncertain Significance.

NM_001206927.2(DNAH8):c.9961G>A (p.Glu3321Lys)

Genes: DNAH8 (dynein axonemal heavy chain 8; plus strand), DNAH8-AS1 (DNAH8 antisense RNA 1; minus strand). Cytogenetic location: 6p21.2.
Variant type: single nucleotide variant.
Coding change: c.9961G>A on transcript NM_001206927.2 (MANE Select); coding-DNA position 9961, G replaced by A.
Protein change: p.Glu3321Lys; replaces glutamic acid 3321 with lysine.
Molecular consequence: missense variant.
Genome position (GRCh38, 1-based): chr6:38,913,950, G>A. VCF-style: chr6-38913950-G-A. GRCh37 (hg19) VCF-style: chr6-38881726-G-A.
Other names: c.9310G>A, p.Glu3104Lys (NM_001371.4); short protein forms E3321K, E3104K.
Identifiers: ClinVar variation 566800 (VCV000566800.14), dbSNP rs200884766, ClinGen allele CA3790616.
Genomic context (GRCh38, chr6:38,913,950, plus strand): 5'-CTCTCTCAGGATCTTGCAGTCAAGGAGAAGGAGTTGGCAGTGGCTTCCATAAAAGCAGAC[G>A]AAGTGAGTTTGCATTTATTTTATCACTGATGAGGAATATTTTTCCATATTAAAATGCATT-3'
Protein context (NP_001193856.1, residues 3311-3331): ELAVASIKAD[Glu3321Lys]VLAEVTVSAQ